The following is an entry in ClinVar:

ClinVar aggregate classification (germline): Conflicting classifications of pathogenicity. Review status: criteria provided, conflicting classifications (1 of 4 stars). 3 submissions from 3 submitters: Uncertain significance (2); Likely benign (1). Last evaluated 2025-12-17.

Conditions:
Pyruvate dehydrogenase E2 deficiency (PDHDD). Also called: LACTIC ACIDEMIA DUE TO DEFECT OF E2 LIPOYL TRANSACETYLASE OF THE PYRUVATE DEHYDROGENASE COMPLEX; Dihydrolipoamide Acetyltransferase (E2) Deficiency. Identifiers: Orphanet 765, Orphanet 79244, MedGen C1855565, MONDO:0009502, OMIM 245348.

Allele frequency attached by ClinVar (database versions not stated): ESP Exome Variant Server 0.00008; 1000 Genomes Project 0.00020; gnomAD exomes 0.00024 and 0.00051; 1000 Genomes Project 30x 0.00031; TOPMed 0.00032; gnomAD 0.00041 and 0.00046; ExAC 0.00049.
gnomAD v4.1: 409 of 1,614,086 alleles (0.025%); highest among the groups gnomAD compares: Non-Finnish European, 0.019%; 1 homozygote.

Submissions (3):

Labcorp Genetics (formerly Invitae), Labcorp
Classification: Likely benign for Pyruvate dehydrogenase E2 deficiency. Last evaluated: 2025-12-17. Review status: criteria provided, single submitter. Criteria: Invitae Variant Classification Sherloc (09022015). Collection method: clinical testing. Allele origin: germline.

GeneDx
Classification: Uncertain significance. Last evaluated: 2025-08-25. Review status: criteria provided, single submitter. Criteria: GeneDx Variant Classification Process June 2021. Collection method: clinical testing. Allele origin: germline.
Comment: In silico analysis suggests that this missense variant does not alter protein structure/function; Has not been previously published as pathogenic or benign to our knowledge

Blueprint Genetics
Classification: Uncertain significance. Last evaluated: 2024-10-02. Review status: criteria provided, single submitter. Criteria: ACMG Guidelines, 2015. Collection method: clinical testing. Allele origin: germline.

NM_001931.5(DLAT):c.1636A>G (p.Thr546Ala)

Genes: DLAT (dihydrolipoamide S-acetyltransferase; plus strand), PIH1D2 (PIH1 domain containing 2; minus strand). Cytogenetic location: 11q23.1.
Variant type: single nucleotide variant.
Coding change: c.1636A>G on transcript NM_001931.5 (MANE Select); coding-DNA position 1636, A replaced by G.
Protein change: p.Thr546Ala; replaces threonine 546 with alanine.
Molecular consequence: missense variant. On other transcripts: non-coding transcript variant (1).
Genome position (GRCh38, 1-based): chr11:112,060,024, A>G. VCF-style: chr11-112060024-A-G. GRCh37 (hg19) VCF-style: chr11-111930748-A-G.
Other names: c.1654A>G, p.Thr552Ala (NM_001372031.1); c.1630A>G, p.Thr544Ala (NM_001372032.1); c.1615A>G, p.Thr539Ala (NM_001372033.1); c.1603A>G, p.Thr535Ala (NM_001372034.1); c.1528A>G, p.Thr510Ala (NM_001372035.1); c.1510A>G, p.Thr504Ala (NM_001372036.1); c.1468A>G, p.Thr490Ala (NM_001372037.1); c.1357A>G, p.Thr453Ala (NM_001372038.1); and 4 more; short protein forms T490A, T504A, T539A, T405A, T441A, T453A, T535A, T546A.
Identifiers: ClinVar variation 785773 (VCV000785773.11), dbSNP rs143152014, ClinGen allele CA6276975.